The following is an entry in ClinVar:

NM_000138.5(FBN1):c.7708G>A (p.Glu2570Lys)

Gene: FBN1 (fibrillin 1; minus strand). Cytogenetic location: 15q21.1.
Variant type: single nucleotide variant.
Coding change: c.7708G>A on transcript NM_000138.5 (MANE Select); coding-DNA position 7708, G replaced by A.
Protein change: p.Glu2570Lys; replaces glutamic acid 2570 with lysine.
Molecular consequence: missense variant.
Genome position (GRCh38, 1-based): chr15:48,420,798, C>T on the plus strand (G>A on the coding strand, the complement: FBN1 is on the minus strand). VCF-style: chr15-48420798-C-T. GRCh37 (hg19) VCF-style: chr15-48712995-C-T.
Other names: p.Glu2570Lys; short protein forms E2570K.
Identifiers: ClinVar variation 263398 (VCV000263398.25), dbSNP rs886038786, ClinGen allele CA10587791.

ClinVar aggregate classification (germline): Pathogenic/Likely pathogenic. Review status: criteria provided, multiple submitters, no conflicts (2 of 4 stars). 7 submissions from 7 submitters: Pathogenic (5); Likely pathogenic (2). Last evaluated 2025-12-03.

Conditions:
Marfan syndrome (MFS). Also called: MARFAN SYNDROME, TYPE I; FBN1-Related Marfan Syndrome; Marfan syndrome, classic; Marfan syndrome type 1; Marfan's syndrome. Identifiers: Orphanet 284963, Orphanet 558, MedGen C0024796, MONDO:0007947, OMIM 154700.
Familial thoracic aortic aneurysm and aortic dissection (TAAD). Also called: Thoracic aortic aneurysms and dissections. Identifiers: Orphanet 91387, MedGen C4707243, MONDO:0019625.
Marfan Syndrome/Loeys-Dietz Syndrome/Familial Thoracic Aortic Aneurysms and Dissections. Identifiers: MedGen CN229799.
FBN1-related disorder. Also called: FBN1-related disorders.

Submissions (7):

Ambry Genetics
Classification: Pathogenic for Familial thoracic aortic aneurysm and aortic dissection. Last evaluated: 2025-12-03. Review status: criteria provided, single submitter. Criteria: Ambry Variant Classification Scheme 2023. Collection method: clinical testing. Allele origin: germline.
Comment: The p.E2570K pathogenic mutation (also known as c.7708G>A), located in coding exon 62 of the FBN1 gene, results from a G to A substitution at nucleotide position 7708. The glutamic acid at codon 2570 is replaced by lysine, an amino acid with similar properties, and is located in the calcium binding consensus sequence of the cbEGF like domain #41. This variant alters a conserved residue in the calcium-binding consensus sequence of a cbEGF domain and is expected to disrupt FBN1 function (Handford PA et al. Nature. 1991; 351(6322):164-7). This mutation has been reported in several individuals with Marfan syndrome (MFS) or clinical presentations consistent with MFS (Arbustini E et al. Hum. Mutat., 2005 Nov;26:494; Attanasio M et al. Clin. Genet., 2008 Jul;74:39-46; Baudhuin LM et al. J Hum Genet. 2015 May;60(5):241-52; Gentilini D et al. PLoS One. 2019 Sep;14(9):e0222506), and segregated with disease in three individuals in one family (S&ouml;ylen B et al. Clin. Genet., 2009 Mar;75:265-70). In addition, this alteration has also been detected in aortic aneurysm and/or dissection cohorts (Tan L et al. Hum. Mol. Genet., 2017 Dec;26:4814-4822; Li Z et al. Sci China Life Sci. 2018 12;61(12):1545-1553; Overwater E et al. Hum Mutat. 2018 09;39(9):1173-1192). This variant is considered to be rare based on population cohorts in the Genome Aggregation Database (gnomAD). This amino acid position is highly conserved in available vertebrate species. In addition, this alteration is predicted to be deleterious by in silico analysis. Based on the supporting evidence, this alteration is interpreted as a disease-causing mutation.

Labcorp Genetics (formerly Invitae), Labcorp
Classification: Pathogenic for Marfan syndrome; Familial thoracic aortic aneurysm and aortic dissection. Last evaluated: 2025-05-08. Review status: criteria provided, single submitter. Criteria: Invitae Variant Classification Sherloc (09022015). Collection method: clinical testing. Allele origin: germline.
Comment: This sequence change replaces glutamic acid, which is acidic and polar, with lysine, which is basic and polar, at codon 2570 of the FBN1 protein (p.Glu2570Lys). This variant is not present in population databases (gnomAD no frequency). This missense change has been observed in individuals with Marfan syndrome and Marfan syndrome or thoracic aortic aneurysm and dissection (PMID: 16222657, 18435798, 19159394, 28973303). It has also been observed to segregate with disease in related individuals. ClinVar contains an entry for this variant (Variation ID: 263398). Invitae Evidence Modeling of protein sequence and biophysical properties (such as structural, functional, and spatial information, amino acid conservation, physicochemical variation, residue mobility, and thermodynamic stability) indicates that this missense variant is expected to disrupt FBN1 protein function with a positive predictive value of 95%. For these reasons, this variant has been classified as Pathogenic.

GeneDx
Classification: Likely pathogenic. Last evaluated: 2024-10-14. Review status: criteria provided, single submitter. Criteria: GeneDx Variant Classification Process June 2021. Collection method: clinical testing. Allele origin: germline. Affected: yes.
Comment: Not observed at significant frequency in large population cohorts (gnomAD); In silico analysis supports that this missense variant has a deleterious effect on protein structure/function; This variant is associated with the following publications: (PMID: 16222657, 18435798, 28973303, 30341550, 29907982, 31536524, 25652356, 19159394, 20591885)

Mayo Clinic Laboratories, Mayo Clinic
Classification: Pathogenic. Last evaluated: 2024-05-30. Review status: criteria provided, single submitter. Criteria: ACMG Guidelines, 2015. Collection method: clinical testing. Allele origin: germline. Observed: 1 variant allele.
Comment: PP1, PP2, PP3, PP4, PM1, PM2, PM6_supporting, PS4

Women's Health and Genetics/Laboratory Corporation of America, LabCorp
Classification: Pathogenic for Marfan Syndrome/Loeys-Dietz Syndrome/Familial Thoracic Aortic Aneurysms and Dissections. Last evaluated: 2023-07-24. Review status: criteria provided, single submitter. Criteria: LabCorp Variant Classification Summary - May 2015. Collection method: clinical testing. Allele origin: germline.
Comment: Variant summary: FBN1 c.7708G>A (p.Glu2570Lys) results in a conservative amino acid change located in the EGF-like domain (IPR000742) of the encoded protein sequence. Four of five in-silico tools predict a damaging effect of the variant on protein function. The variant was absent in 250706 control chromosomes (gnomAD, Arbustini_2005, Attanasio_2008). c.7708G>A has been reported in the literature in multiple individuals affected with Marfan Syndrome (e.g., Arbustini_2005, Attanasio_2008, Soylen_2009, Attanasio_2013, Overwater_2018). These data indicate that the variant is very likely to be associated with disease. The following publications have been ascertained in the context of this evaluation (PMID: 16222657, 18435798, 23684891, 29907982, 19159394). Three submitters have reported clinical-significance assessments for this variant to ClinVar after 2014. All submitters classified the variant as pathogenic/likely pathogenic. Based on the evidence outlined above, the variant was classified as pathogenic.

Clinical Genetics Laboratory, Skane University Hospital Lund
Classification: Likely pathogenic. Last evaluated: 2023-03-10. Review status: criteria provided, single submitter. Criteria: ACMG Guidelines, 2015. Collection method: clinical testing. Allele origin: germline. Affected: yes.

Blueprint Genetics
Classification: Pathogenic for FBN1-related disorders. Last evaluated: 2022-03-22. Review status: criteria provided, single submitter. Criteria: ACMG Guidelines, 2015. Collection method: clinical testing. Allele origin: germline. Affected: yes. Observed: 4 variant alleles.

Literature cited by the submitters: PubMed 11108952 (cited by Ambry Genetics); PubMed 16222657 (cited by 4 submitters); PubMed 18435798 (cited by 4 submitters); PubMed 19159394 (cited by 4 submitters); PubMed 25652356 (cited by Ambry Genetics and Mayo Clinic Laboratories, Mayo Clinic); PubMed 28973303 (cited by 3 submitters); PubMed 29907982 (cited by 3 submitters); PubMed 30341550 (cited by Ambry Genetics); PubMed 31536524 (cited by Ambry Genetics and Mayo Clinic Laboratories, Mayo Clinic); PubMed 23684891 (cited by Mayo Clinic Laboratories, Mayo Clinic and Women's Health and Genetics/Laboratory Corporation of America, LabCorp).